The following is an entry in ClinVar:

ClinVar aggregate classification (germline): Uncertain significance (1 of 4 stars; one submission).

Conditions:
BBS4-related disorder. Also called: BBS4-related condition.

Submission:

PreventionGenetics, part of Exact Sciences
Classification: Uncertain significance for BBS4-related condition. Last evaluated: 2024-12-27. Review status: criteria provided, single submitter. Criteria: ACMG Guidelines, 2015. Collection method: clinical testing. Allele origin: germline.
Comment: The BBS4 c.1348A>G variant is predicted to result in the amino acid substitution p.Thr450Ala. To our knowledge, this variant has not been reported in the literature or in a large population database (gnomAD), indicating this variant is rare. At this time, the clinical significance of this variant is uncertain due to the absence of conclusive functional and genetic evidence.

NM_033028.5(BBS4):c.1348A>G (p.Thr450Ala)

Gene: BBS4 (Bardet-Biedl syndrome 4; plus strand). Cytogenetic location: 15q24.1.
Variant type: single nucleotide variant.
Coding change: c.1348A>G on transcript NM_033028.5 (MANE Select); coding-DNA position 1348, A replaced by G.
Protein change: p.Thr450Ala; replaces threonine 450 with alanine.
Molecular consequence: missense variant. On other transcripts: non-coding transcript variant (2).
Genome position (GRCh38, 1-based): chr15:72,736,861, A>G. VCF-style: chr15-72736861-A-G. GRCh37 (hg19) VCF-style: chr15-73029202-A-G.
Other names: c.832A>G, p.Thr278Ala (NM_001252678.2); c.1279A>G, p.Thr427Ala (NM_001320665.2); short protein forms T427A, T450A, T278A.
Identifiers: ClinVar variation 4987175 (VCV004987175.1).